The following is an entry in ClinVar:

ClinVar aggregate classification (germline): Pathogenic (1 of 4 stars; one submission).

Conditions:
Hereditary cancer-predisposing syndrome. Also called: Tumor predisposition; Neoplastic Syndromes, Hereditary; Hereditary Cancer Syndrome; Hereditary neoplastic syndrome. Identifiers: Orphanet 140162, MedGen C0027672, MeSH D009386, MONDO:0015356.

Submission:

Ambry Genetics
Classification: Pathogenic for Hereditary cancer-predisposing syndrome. Last evaluated: 2019-12-18. Review status: criteria provided, single submitter. Criteria: Ambry Variant Classification Scheme 2023. Collection method: clinical testing. Allele origin: germline.
Comment: The c.308_309insCT pathogenic mutation, located in coding exon 3 of the APC gene, results from an insertion of two nucleotides at position 308, causing a translational frameshift with a predicted alternate stop codon (p.S104Yfs*22). This alteration is expected to result in loss of function by premature protein truncation or nonsense-mediated mRNA decay. As such, this alteration is interpreted as a disease-causing mutation.

NM_000038.6(APC):c.308_309insCT (p.Ser104fs)

Gene: APC (APC regulator of Wnt signaling pathway; plus strand). Cytogenetic location: 5q22.2.
Variant type: Insertion.
Coding change: c.308_309insCT on transcript NM_000038.6 (MANE Select); coding-DNA positions 308 to 309, CT inserted.
Protein change: p.Ser104fs; shifts the reading frame from serine 104.
Molecular consequence: frameshift variant. On other transcripts: 5 prime UTR variant (1).
Genome position: GRCh38 VCF-style: chr5-112767275-G-GTC. GRCh37 (hg19) VCF-style: chr5-112102972-G-GTC.
Other names: c.308_309insCT, p.Ser104fs (NM_001127510.3, NM_001354895.2, NM_001354896.2 and 2 more transcripts); c.338_339insCT, p.Ser114fs (NM_001127511.3, NM_001354897.2, NM_001354902.2); c.233_234insCT, p.Ser79fs (NM_001354898.2, NM_001354904.2); c.131_132insCT, p.Ser45fs (NM_001354900.2, NM_001354901.2, NM_001354905.2); c.-728_-727insCT (NM_001354906.2, NM_001407470.1, NM_001407471.1 and 1 more transcripts); c.338_339insCT, p.Ser114Tyrfs (NM_001407446.1); c.308_309insCT, p.Ser104Tyrfs (NM_001407447.1, NM_001407448.1, NM_001407449.1 and 11 more transcripts); c.233_234insCT, p.Ser79Tyrfs (NM_001407451.1); and 1 more; short protein forms S45fs, S104fs, S79fs, S114fs.
Identifiers: ClinVar variation 1727364 (VCV001727364.2), dbSNP rs2532295523, ClinGen allele CA2580072383.